The following is an entry in ClinVar:

ClinVar aggregate classification (germline): Uncertain significance. Review status: criteria provided, multiple submitters, no conflicts (2 of 4 stars). 4 submissions from 4 submitters: Uncertain significance (4). Last evaluated 2026-04-01.

Conditions:
Hereditary cancer-predisposing syndrome. Also called: Hereditary neoplastic syndrome; Tumor predisposition; Neoplastic Syndromes, Hereditary; Hereditary Cancer Syndrome. Identifiers: Orphanet 140162, MedGen C0027672, MeSH D009386, MONDO:0015356.

Allele frequency attached by ClinVar (database versions not stated): gnomAD exomes below 0.00001; TOPMed below 0.00001; ExAC 0.00001.
gnomAD v4.1: 6 of 1,613,482 alleles (0.00037%); highest among the groups gnomAD compares: African/African-American, 0.0013%; no homozygotes.

Submissions (4):

CeGaT Center for Human Genetics Tuebingen
Classification: Uncertain significance. Last evaluated: 2026-04-01. Review status: criteria provided, single submitter. Criteria: CeGaT Center For Human Genetics Tuebingen Variant Classification Criteria Version 2. Collection method: clinical testing. Allele origin: germline. Affected: yes. Observed: 1 variant allele.
Comment: POLE: PM2

Labcorp Genetics (formerly Invitae), Labcorp
Classification: Uncertain significance. Last evaluated: 2025-07-31. Review status: criteria provided, single submitter. Criteria: Invitae Variant Classification Sherloc (09022015). Collection method: clinical testing. Allele origin: germline.
Comment: This sequence change replaces arginine, which is basic and polar, with tryptophan, which is neutral and slightly polar, at codon 494 of the POLE protein (p.Arg494Trp). This variant is present in population databases (rs756829894, gnomAD 0.0009%). This variant has not been reported in the literature in individuals affected with POLE-related conditions. ClinVar contains an entry for this variant (Variation ID: 473461). Invitae Evidence Modeling of protein sequence and biophysical properties (such as structural, functional, and spatial information, amino acid conservation, physicochemical variation, residue mobility, and thermodynamic stability) indicates that this missense variant is expected to disrupt POLE protein function with a positive predictive value of 80%. In summary, the available evidence is currently insufficient to determine the role of this variant in disease. Therefore, it has been classified as a Variant of Uncertain Significance.

Ambry Genetics
Classification: Uncertain significance for Hereditary cancer-predisposing syndrome. Last evaluated: 2025-01-10. Review status: criteria provided, single submitter. Criteria: Ambry Variant Classification Scheme 2023. Collection method: clinical testing. Allele origin: germline.
Comment: The p.R494W variant (also known as c.1480C>T), located in coding exon 15 of the POLE gene, results from a C to T substitution at nucleotide position 1480. The arginine at codon 494 is replaced by tryptophan, an amino acid with dissimilar properties. This amino acid position is highly conserved in available vertebrate species. In addition, the in silico prediction for this alteration is inconclusive. Based on the available evidence, the clinical significance of this variant remains unclear.

GeneDx
Classification: Uncertain significance. Last evaluated: 2024-03-14. Review status: criteria provided, single submitter. Criteria: GeneDx Variant Classification Process June 2021. Collection method: clinical testing. Allele origin: germline. Affected: yes.
Comment: Not observed at significant frequency in large population cohorts (gnomAD); In silico analysis supports that this missense variant has a deleterious effect on protein structure/function; Has not been previously published as pathogenic or benign to our knowledge

NM_006231.4(POLE):c.1480C>T (p.Arg494Trp)

Gene: POLE (DNA polymerase epsilon, catalytic subunit; minus strand). Cytogenetic location: 12q24.33.
Variant type: single nucleotide variant.
Coding change: c.1480C>T on transcript NM_006231.4 (MANE Select); coding-DNA position 1480, C replaced by T.
Protein change: p.Arg494Trp; replaces arginine 494 with tryptophan.
Molecular consequence: missense variant.
Genome position (GRCh38, 1-based): chr12:132,672,833, G>A on the plus strand (C>T on the coding strand, the complement: POLE is on the minus strand). VCF-style: chr12-132672833-G-A. GRCh37 (hg19) VCF-style: chr12-133249419-G-A.
Other names: c.1480C>T (NM_006231.2); short protein forms R494W.
Identifiers: ClinVar variation 473461 (VCV000473461.12), dbSNP rs756829894, ClinGen allele CA6893931.
Genomic context (GRCh38, chr12:132,672,833, plus strand): 5'-TGTTGGCGTGGAAGGCCTGCACCATCAGCAAGGCCTCACACAGAGTGCCAGAGCCCTTCC[G>A]CAGCACCTGCAAGAGAAACCAAGGCTTCCAGCCAAAAGCAACACCAAAGGCCCTGACTTG-3'
Protein context (NP_006222.2, residues 484-504): IIPMEPDEVL[Arg494Trp]KGSGTLCEAL